The following is an entry in ClinVar:

ClinVar aggregate classification (germline): Conflicting classifications of pathogenicity. Review status: criteria provided, conflicting classifications (1 of 4 stars). 2 submissions from 2 submitters: Uncertain significance (1); Likely benign (1). Last evaluated 2024-07-30.

Conditions:
Hereditary cancer-predisposing syndrome. Also called: Tumor predisposition; Hereditary neoplastic syndrome; Hereditary Cancer Syndrome; Neoplastic Syndromes, Hereditary. Identifiers: Orphanet 140162, MedGen C0027672, MeSH D009386, MONDO:0015356.
Breast-ovarian cancer, familial, susceptibility to, 4. Identifiers: Orphanet 145, MedGen C3280345, MONDO:0013669, OMIM 614291.

gnomAD v4.1: 1 of 1,612,888 alleles (0.000062%); highest among the groups gnomAD compares: East Asian, 0.0022%; no homozygotes.

Submissions (2):

Labcorp Genetics (formerly Invitae), Labcorp
Classification: Uncertain significance for Breast-ovarian cancer, familial, susceptibility to, 4. Last evaluated: 2024-07-30. Review status: criteria provided, single submitter. Criteria: Invitae Variant Classification Sherloc (09022015). Collection method: clinical testing. Allele origin: germline.
Comment: This sequence change replaces glycine, which is neutral and non-polar, with cysteine, which is neutral and slightly polar, at codon 325 of the RAD51D protein (p.Gly325Cys). This variant is not present in population databases (gnomAD no frequency). This variant has not been reported in the literature in individuals affected with RAD51D-related conditions. An algorithm developed to predict the effect of missense changes on protein structure and function outputs the following: PolyPhen-2: "Possibly Damaging". The cysteine amino acid residue is found in multiple mammalian species, which suggests that this missense change does not adversely affect protein function. In summary, the available evidence is currently insufficient to determine the role of this variant in disease. Therefore, it has been classified as a Variant of Uncertain Significance.

Ambry Genetics
Classification: Likely benign for Hereditary cancer-predisposing syndrome. Last evaluated: 2024-03-08. Review status: criteria provided, single submitter. Criteria: Ambry Variant Classification Scheme 2023. Collection method: clinical testing. Allele origin: germline.

NM_002878.4(RAD51D):c.973G>T (p.Gly325Cys)

Genes: RAD51L3-RFFL (RAD51L3-RFFL readthrough; minus strand), RAD51D (RAD51 paralog D; minus strand). Cytogenetic location: 17q12.
Variant type: single nucleotide variant.
Coding change: c.973G>T on transcript NM_002878.4 (MANE Select); coding-DNA position 973, G replaced by T.
Protein change: p.Gly325Cys; replaces glycine 325 with cysteine.
Molecular consequence: missense variant. On other transcripts: non-coding transcript variant (2).
Genome position (GRCh38, 1-based): chr17:35,100,967, C>A on the plus strand (G>T on the coding strand, the complement: RAD51D is on the minus strand). VCF-style: chr17-35100967-C-A. GRCh37 (hg19) VCF-style: chr17-33427986-C-A.
Other names: c.1033G>T, p.Gly345Cys (NM_001142571.2); c.637G>T, p.Gly213Cys (NM_133629.3); short protein forms G213C, G325C, G345C.
Identifiers: ClinVar variation 3222895 (VCV003222895.2), dbSNP rs587780106, ClinGen allele CA399086051.